The following is an entry in ClinVar:

ClinVar aggregate classification (germline): Uncertain significance (1 of 4 stars; one submission).

Submission:

GeneDx
Classification: Uncertain significance. Last evaluated: 2026-04-03. Review status: criteria provided, single submitter. Criteria: GeneDx Variant Classification Process June 2021. Collection method: clinical testing. Allele origin: germline.
Comment: Not observed at significant frequency in large population cohorts (gnomAD); In silico analysis suggests that this missense variant does not alter protein structure/function; Has not been previously published as pathogenic or benign to our knowledge

NM_080552.3(SLC32A1):c.133G>A (p.Ala45Thr)

Gene: SLC32A1 (solute carrier family 32 member 1; plus strand). Cytogenetic location: 20q11.23.
Variant type: single nucleotide variant.
Coding change: c.133G>A on transcript NM_080552.3 (MANE Select); coding-DNA position 133, G replaced by A.
Protein change: p.Ala45Thr; replaces alanine 45 with threonine.
Molecular consequence: missense variant.
Genome position (GRCh38, 1-based): chr20:38,724,857, G>A. VCF-style: chr20-38724857-G-A. GRCh37 (hg19) VCF-style: chr20-37353500-G-A.
Other names: short protein forms A45T.
Identifiers: ClinVar variation 5018097 (VCV005018097.1).